The following is an entry in ClinVar:

ClinVar aggregate classification (germline): Conflicting classifications of pathogenicity. Review status: criteria provided, conflicting classifications (1 of 4 stars). 2 submissions from 2 submitters: Likely pathogenic (1); Uncertain significance (1). Last evaluated 2024-10-18.

Conditions:
Dilated cardiomyopathy 1G (CMD1G). Identifiers: Orphanet 154, MedGen C1858763, MONDO:0011400, OMIM 604145.
Autosomal recessive limb-girdle muscular dystrophy type 2J (LGMDR10). Also called: Limb-girdle muscular dystrophy, type 2J; MUSCULAR DYSTROPHY, LIMB-GIRDLE, AUTOSOMAL RECESSIVE 10. Identifiers: Orphanet 140922, MedGen C1837342, MONDO:0012127, OMIM 608807.

Allele frequency attached by ClinVar (database versions not stated): gnomAD 0.00001.
gnomAD v4.1: 1 of 1,603,590 alleles (0.000062%); highest among the groups gnomAD compares: African/African-American, 0.0013%; no homozygotes.

Submissions (2):

Labcorp Genetics (formerly Invitae), Labcorp
Classification: Likely pathogenic for Dilated cardiomyopathy 1G; Autosomal recessive limb-girdle muscular dystrophy type 2J. Last evaluated: 2024-10-18. Review status: criteria provided, single submitter. Criteria: Invitae Variant Classification Sherloc (09022015). Collection method: clinical testing. Allele origin: germline.
Comment: This sequence change affects a donor splice site in intron 73 of the TTN gene. It is expected to disrupt RNA splicing and likely results in a truncated or disrupted TTN protein. This variant is not present in population databases (gnomAD no frequency). This variant has not been reported in the literature in individuals affected with TTN-related conditions. ClinVar contains an entry for this variant (Variation ID: 2112093). Algorithms developed to predict the effect of sequence changes on RNA splicing suggest that this variant may disrupt the consensus splice site. This variant is located in the I band of TTN (PMID: 25589632). Truncating variants in this region have been reported in individuals affected with autosomal recessive centronuclear myopathy (PMID: 23975875, internal data). Truncating variants in this region have also been identified in individuals affected with autosomal dominant dilated cardiomyopathy and/or cardio-related conditions (PMID: 27869827, 32964742, internal data). In summary, the currently available evidence indicates that the variant is pathogenic, but additional data are needed to prove that conclusively. Therefore, this variant has been classified as Likely Pathogenic.

GeneDx
Classification: Uncertain significance. Last evaluated: 2022-12-05. Review status: criteria provided, single submitter. Criteria: GeneDx Variant Classification Process June 2021. Collection method: clinical testing. Allele origin: germline. Affected: yes.
Comment: Not observed at significant frequency in large population cohorts (gnomAD); Canonical splice site variant in a region of a gene for which loss of function is not a well-established mechanism of disease; Has not been previously published as pathogenic or benign to our knowledge; This variant is associated with the following publications: (PMID: 27625338, 27869827)

Literature cited by the submitters: PubMed 25589632 (cited by Labcorp Genetics (formerly Invitae), Labcorp); PubMed 23975875 (cited by Labcorp Genetics (formerly Invitae), Labcorp); PubMed 27869827 (cited by Labcorp Genetics (formerly Invitae), Labcorp); PubMed 32964742 (cited by Labcorp Genetics (formerly Invitae), Labcorp).

NM_001267550.2(TTN):c.21403+2T>G

Genes: TTN (titin; minus strand), LOC126806428 (BRD4-independent group 4 enhancer GRCh37_chr2:179588362-179589561; plus strand). Cytogenetic location: 2q31.2.
Variant type: single nucleotide variant.
Coding change: c.21403+2T>G on transcript NM_001267550.2 (MANE Select); the canonical splice donor site of the intron after coding-DNA position 21403, T replaced by G.
Molecular consequence: splice donor variant. On other transcripts: intron variant (3).
Genome position (GRCh38, 1-based): chr2:178,723,854, A>C on the plus strand (T>G on the coding strand, the complement: TTN is on the minus strand). VCF-style: chr2-178723854-A-C. GRCh37 (hg19) VCF-style: chr2-179588581-A-C.
Other names: c.13282+14228T>G (NM_003319.4); c.13858+14228T>G (NM_133437.4); c.13657+14228T>G (NM_133432.3); c.17671+2T>G (NM_133378.4); c.20452+2T>G (NM_001256850.1).
Identifiers: ClinVar variation 2112093 (VCV002112093.5), dbSNP rs2078872337, ClinGen allele CA349535067.